The following is an entry in ClinVar:

ClinVar aggregate classification (germline): Uncertain significance (1 of 4 stars; one submission).

Conditions:
Hereditary cancer-predisposing syndrome. Also called: Neoplastic Syndromes, Hereditary; Tumor predisposition; Hereditary Cancer Syndrome; Hereditary neoplastic syndrome. Identifiers: Orphanet 140162, MedGen C0027672, MeSH D009386, MONDO:0015356.

Submission:

Ambry Genetics
Classification: Uncertain significance for Hereditary cancer-predisposing syndrome. Last evaluated: 2025-10-23. Review status: criteria provided, single submitter. Criteria: Ambry Variant Classification Scheme 2023. Collection method: clinical testing. Allele origin: germline.
Comment: The p.C1437* variant (also known as c.4311C>A), located in coding exon 23 of the PTCH1 gene, results from a C to A substitution at nucleotide position 4311. This changes the amino acid from a cysteine to a stop codon within coding exon 23. This alteration occurs at the 3' terminus of the gene, is not expected to trigger nonsense-mediated mRNA decay, and impacts the last 11 AAs of the protein. The exact functional effect of this alteration is unknown. Based on the available evidence, the clinical significance of this variant remains unclear.

NM_000264.5(PTCH1):c.4311C>A (p.Cys1437Ter)

Gene: PTCH1 (patched 1; minus strand). Cytogenetic location: 9q22.32.
Variant type: single nucleotide variant.
Coding change: c.4311C>A on transcript NM_000264.5 (MANE Select); coding-DNA position 4311, C replaced by A.
Protein change: p.Cys1437Ter; replaces cysteine 1437 with a stop codon.
Molecular consequence: nonsense. On other transcripts: non-coding transcript variant (1).
Genome position (GRCh38, 1-based): chr9:95,446,945, G>T on the plus strand (C>A on the coding strand, the complement: PTCH1 is on the minus strand). VCF-style: chr9-95446945-G-T. GRCh37 (hg19) VCF-style: chr9-98209227-G-T.
Other names: c.4113C>A, p.Cys1371Ter (NM_001083602.3); c.4308C>A, p.Cys1436Ter (NM_001083603.3); c.3858C>A, p.Cys1286Ter (NM_001083604.3, NM_001083605.3, NM_001083606.3 and 1 more transcripts); c.4155C>A, p.Cys1385Ter (NM_001354918.2); short protein forms C1371*, C1385*, C1436*, C1437*, C1286*.
Identifiers: ClinVar variation 4675642 (VCV004675642.1).